The following is an entry in ClinVar:

NM_001127222.2(CACNA1A):c.2594A>T (p.His865Leu)

Gene: CACNA1A (calcium voltage-gated channel subunit alpha1 A; minus strand). Cytogenetic location: 19p13.13.
Variant type: single nucleotide variant.
Coding change: c.2594A>T on transcript NM_001127222.2 (MANE Select); coding-DNA position 2594, A replaced by T.
Protein change: p.His865Leu; replaces histidine 865 with leucine.
Molecular consequence: missense variant.
Genome position (GRCh38, 1-based): chr19:13,299,039, T>A on the plus strand (A>T on the coding strand, the complement: CACNA1A is on the minus strand). VCF-style: chr19-13299039-T-A. GRCh37 (hg19) VCF-style: chr19-13409853-T-A.
Other names: c.2606A>T, p.His869Leu (NM_000068.4, NM_023035.3); c.2597A>T, p.His866Leu (NM_001127221.2, NM_001174080.2); short protein forms H865L, H866L, H869L.
Identifiers: ClinVar variation 2418731 (VCV002418731.9), dbSNP rs905945538, ClinGen allele CA305506508.

ClinVar aggregate classification (germline): Conflicting classifications of pathogenicity. Review status: criteria provided, conflicting classifications (1 of 4 stars). 2 submissions from 2 submitters: Uncertain significance (1); Likely benign (1). Last evaluated 2025-04-22.

Conditions:
Episodic ataxia type 2 (EA2). Also called: ATAXIA, EPISODIC, WITH NYSTAGMUS; ATAXIA, FAMILIAL PAROXYSMAL; CEREBELLAR ATAXIA, PAROXYSMAL, ACETAZOLAMIDE-RESPONSIVE; CEREBELLOPATHY, HEREDITARY PAROXYSMAL; EPISODIC ATAXIA, NYSTAGMUS-ASSOCIATED; ACETAZOLAMIDE-RESPONSIVE HEREDITARY PAROXYSMAL CEREBELLAR ATAXIA. Identifiers: Orphanet 97, MedGen C1720416, MONDO:0007163, OMIM 108500.
Developmental and epileptic encephalopathy, 42 (DEE42A). Also called: DEVELOPMENTAL AND EPILEPTIC ENCEPHALOPATHY 42A; EPILEPTIC ENCEPHALOPATHY, EARLY INFANTILE, 42A; Epileptic encephalopathy, early infantile, 42. Identifiers: MedGen C4310716, MONDO:0014917, OMIM 617106.

Allele frequency attached by ClinVar (database versions not stated): TOPMed below 0.00001.

Submissions (2):

GeneDx
Classification: Uncertain significance. Last evaluated: 2025-04-22. Review status: criteria provided, single submitter. Criteria: GeneDx Variant Classification Process June 2021. Collection method: clinical testing. Allele origin: germline. Affected: yes.
Comment: In silico analysis supports that this missense variant has a deleterious effect on protein structure/function; Has not been previously published as pathogenic or benign to our knowledge

Labcorp Genetics (formerly Invitae), Labcorp
Classification: Likely benign for Developmental and epileptic encephalopathy, 42; Episodic ataxia type 2. Last evaluated: 2022-07-21. Review status: criteria provided, single submitter. Criteria: Invitae Variant Classification Sherloc (09022015). Collection method: clinical testing. Allele origin: germline.